The following is an entry in ClinVar:

NM_000233.4(LHCGR):c.619A>C (p.Asn207His)

Genes: LHCGR (luteinizing hormone/choriogonadotropin receptor; minus strand), STON1-GTF2A1L (STON1-GTF2A1L readthrough; plus strand). Cytogenetic location: 2p16.3.
Variant type: single nucleotide variant.
Coding change: c.619A>C on transcript NM_000233.4 (MANE Select); coding-DNA position 619, A replaced by C.
Protein change: p.Asn207His; replaces asparagine 207 with histidine.
Molecular consequence: missense variant. On other transcripts: intron variant (1).
Genome position (GRCh38, 1-based): chr2:48,709,009, T>G on the plus strand (A>C on the coding strand, the complement: LHCGR is on the minus strand). VCF-style: chr2-48709009-T-G. GRCh37 (hg19) VCF-style: chr2-48936148-T-G.
Other names: c.3441+37329T>G (NM_001198593.2); short protein forms N207H.
Identifiers: ClinVar variation 3638184 (VCV003638184.2).
Genomic context (GRCh38, chr2:48,709,009, plus strand): 5'-AGGTTTTCGGCCCTGTGGCCCCACGGAAGGCTCCATTGTGCATCTTCTCCAGATGTACGT[T>G]TTCCTTTAGCTCCCTGTGGGGAAGGATATTGCCCTTAGTGGAGTTTGTACCTCATGTGTA-3'
Protein context (NP_000224.2, residues 197-217): TTLTSLELKE[Asn207His]VHLEKMHNGA

ClinVar aggregate classification (germline): Uncertain significance (1 of 4 stars; one submission).

Submission:

Labcorp Genetics (formerly Invitae), Labcorp
Classification: Uncertain significance. Last evaluated: 2024-10-30. Review status: criteria provided, single submitter. Criteria: Invitae Variant Classification Sherloc (09022015). Collection method: clinical testing. Allele origin: germline.
Comment: This sequence change replaces asparagine, which is neutral and polar, with histidine, which is basic and polar, at codon 207 of the LHCGR protein (p.Asn207His). This variant is not present in population databases (gnomAD no frequency). This variant has not been reported in the literature in individuals affected with LHCGR-related conditions. Invitae Evidence Modeling of protein sequence and biophysical properties (such as structural, functional, and spatial information, amino acid conservation, physicochemical variation, residue mobility, and thermodynamic stability) indicates that this missense variant is expected to disrupt LHCGR protein function with a positive predictive value of 80%. In summary, the available evidence is currently insufficient to determine the role of this variant in disease. Therefore, it has been classified as a Variant of Uncertain Significance.